The following is an entry in ClinVar:

ClinVar aggregate classification (germline): Uncertain significance (1 of 4 stars; one submission).

Conditions:
Long QT syndrome (LQTS). Identifiers: MedGen C0023976, MeSH D008133, MONDO:0002442. Disease mechanism: loss of function. Inheritance: Various modes of inheritance.

Submission:

Labcorp Genetics (formerly Invitae), Labcorp
Classification: Uncertain significance for Long QT syndrome. Last evaluated: 2019-01-19. Review status: criteria provided, single submitter. Criteria: Invitae Variant Classification Sherloc (09022015). Collection method: clinical testing. Allele origin: germline.
Comment: In summary, the available evidence is currently insufficient to determine the role of this variant in disease. Therefore, it has been classified as a Variant of Uncertain Significance. Algorithms developed to predict the effect of missense changes on protein structure and function are either unavailable or do not agree on the potential impact of this missense change (SIFT: "Deleterious"; PolyPhen-2: "Possibly Damaging"; Align-GVGD: "Class C0"). This sequence change replaces isoleucine with asparagine at codon 126 of the KCNH2 protein (p.Ile126Asn). The isoleucine residue is moderately conserved and there is a large physicochemical difference between isoleucine and asparagine. This variant is not present in population databases (ExAC no frequency). This variant has not been reported in the literature in individuals with KCNH2-related conditions.

NM_000238.4(KCNH2):c.377T>A (p.Ile126Asn)

Gene: KCNH2 (potassium voltage-gated channel subfamily H member 2; minus strand). Cytogenetic location: 7q36.1.
Variant type: single nucleotide variant.
Coding change: c.377T>A on transcript NM_000238.4 (MANE Select); coding-DNA position 377, T replaced by A.
Protein change: p.Ile126Asn; replaces isoleucine 126 with asparagine.
Molecular consequence: missense variant.
Genome position (GRCh38, 1-based): chr7:150,959,667, A>T on the plus strand (T>A on the coding strand, the complement: KCNH2 is on the minus strand). VCF-style: chr7-150959667-A-T. GRCh37 (hg19) VCF-style: chr7-150656755-A-T.
Other names: c.89T>A, p.Ile30Asn (NM_001406753.1, NM_001406756.1); c.200T>A, p.Ile67Asn (NM_001406755.1); c.77T>A, p.Ile26Asn (NM_001406757.1); c.377T>A, p.Ile126Asn (NM_172056.3); short protein forms I126N, I26N, I30N, I67N.
Identifiers: ClinVar variation 859531 (VCV000859531.10), dbSNP rs1801499760, ClinGen allele CA369863786.